The following is an entry in ClinVar:

ClinVar aggregate classification (germline): Pathogenic (1 of 4 stars; one submission).

Submission:

GeneDx
Classification: Pathogenic. Last evaluated: 2026-09-14. Review status: criteria provided, single submitter. Criteria: GeneDx Variant Classification Process June 2021. Collection method: clinical testing. Allele origin: germline.
Comment: Nonsense variant predicted to result in protein truncation or nonsense mediated decay in a gene for which loss of function is a known mechanism of disease; Not observed at significant frequency in large population cohorts (gnomAD); Reported in the hemizygous state in deceased fetuses with hydrops fetalis in the published literature (PMID: 28425981, 26387632); This variant is associated with the following publications: (PMID: 26395338, 26387632, 28425981)

NM_014009.4(FOXP3):c.1009C>T (p.Arg337Ter)

Gene: FOXP3 (forkhead box P3; minus strand). Cytogenetic location: Xp11.23.
Variant type: single nucleotide variant.
Coding change: c.1009C>T on transcript NM_014009.4 (MANE Select); coding-DNA position 1009, C replaced by T.
Protein change: p.Arg337Ter; replaces arginine 337 with a stop codon.
Molecular consequence: nonsense.
Genome position (GRCh38, 1-based): chrX:49,253,161, G>A on the plus strand (C>T on the coding strand, the complement: FOXP3 is on the minus strand). VCF-style: chrX-49253161-G-A. GRCh37 (hg19) VCF-style: chrX-49109622-G-A.
Other names: c.904C>T, p.Arg302Ter (NM_001114377.2); short protein forms R337*, R302*.
Identifiers: ClinVar variation 372368 (VCV000372368.4), dbSNP rs1057517736, ClinGen allele CA16043255.